The following is an entry in ClinVar:

ClinVar aggregate classification (germline): Likely pathogenic (1 of 4 stars; one submission).

Submission:

Dasa
Classification: Likely pathogenic. Last evaluated: 2026-01-09. Review status: criteria provided, single submitter. Criteria: DASA Assertion Criteria. Collection method: clinical testing. Allele origin: germline.
Comment: NM_015512.5(DNAH1):c.9729G>A (p.Trp3243*) is a nonsense variant in DNAH1 predicted to introduce a premature termination codon and is predicted to result in an absent or altered protein product. Loss of function is an established disease mechanism for DNAH1-associated disorders. Also, this variant is rare in population databases. Based on the currently available evidence, this variant is classified as likely pathogenic.

NM_015512.5(DNAH1):c.9729G>A (p.Trp3243Ter)

Gene: DNAH1 (dynein axonemal heavy chain 1; plus strand). Cytogenetic location: 3p21.1.
Variant type: single nucleotide variant.
Coding change: c.9729G>A on transcript NM_015512.5 (MANE Select); coding-DNA position 9729, G replaced by A.
Protein change: p.Trp3243Ter; replaces tryptophan 3243 with a stop codon.
Molecular consequence: nonsense.
Genome position (GRCh38, 1-based): chr3:52,391,042, G>A. VCF-style: chr3-52391042-G-A. GRCh37 (hg19) VCF-style: chr3-52425058-G-A.
Other names: short protein forms W3243*.
Identifiers: ClinVar variation 4882468 (VCV004882468.2).